The following is an entry in ClinVar:

NM_001040142.2(SCN2A):c.3067G>T (p.Glu1023Ter)

Gene: SCN2A (sodium voltage-gated channel alpha subunit 2; plus strand). Cytogenetic location: 2q24.3.
Variant type: single nucleotide variant.
Coding change: c.3067G>T on transcript NM_001040142.2 (MANE Select); coding-DNA position 3067, G replaced by T.
Protein change: p.Glu1023Ter; replaces glutamic acid 1023 with a stop codon.
Molecular consequence: nonsense.
Genome position (GRCh38, 1-based): chr2:165,354,339, G>T. VCF-style: chr2-165354339-G-T. GRCh37 (hg19) VCF-style: chr2-166210849-G-T.
Other names: c.3067G>T, p.Glu1023Ter (NM_001040143.2, NM_001371246.1, NM_001371247.1 and 1 more transcripts); short protein forms E1023*.
Identifiers: ClinVar variation 1456085 (VCV001456085.6), dbSNP rs1397215259, ClinGen allele CA349020008.

ClinVar aggregate classification (germline): Pathogenic (1 of 4 stars; one submission).

Conditions:
Seizures, benign familial infantile, 3 (BFIS3). Also called: Familial neonatal seizures; CONVULSIONS, BENIGN FAMILIAL INFANTILE, 3. Identifiers: Orphanet 140927, Orphanet 306, MedGen C1843140, MONDO:0011904, OMIM 607745.
Developmental and epileptic encephalopathy, 11 (DEE11). Also called: Early infantile epileptic encephalopathy 11. Identifiers: Orphanet 1934, MedGen C3150987, MONDO:0013388, OMIM 613721.

Submission:

Labcorp Genetics (formerly Invitae), Labcorp
Classification: Pathogenic for Seizures, benign familial infantile, 3; Developmental and epileptic encephalopathy, 11. Last evaluated: 2020-12-14. Review status: criteria provided, single submitter. Criteria: Invitae Variant Classification Sherloc (09022015). Collection method: clinical testing. Allele origin: germline.
Comment: This sequence change creates a premature translational stop signal (p.Glu1023*) in the SCN2A gene. It is expected to result in an absent or disrupted protein product. Loss-of-function variants in SCN2A are known to be pathogenic (PMID: 28379373). For these reasons, this variant has been classified as Pathogenic. This variant has not been reported in the literature in individuals with SCN2A-related conditions. This variant is not present in population databases (ExAC no frequency).

Literature cited by the submitters: PubMed 28379373.